The following is an entry in ClinVar:

NC_000012.11:g.(?_56739910)_(56750375_?)dup

Genes: STAT2 (signal transducer and activator of transcription 2; minus strand), LOC130008075 (ATAC-STARR-seq lymphoblastoid silent region 4558; plus strand). Cytogenetic location: 12q13.3.
Variant type: Duplication.
Identifiers: ClinVar variation 583729 (VCV000583729.2).

ClinVar aggregate classification (germline): Uncertain significance (1 of 4 stars; one submission).

Conditions:
Primary immunodeficiency with post-measles-mumps-rubella vaccine viral infection. Also called: Immunodeficiency 44. Identifiers: Orphanet 431166, MedGen C4225260, MONDO:0014715, OMIM 616636.

Submission:

Labcorp Genetics (formerly Invitae), Labcorp
Classification: Uncertain significance for Immunodeficiency 44. Last evaluated: 2019-06-21. Review status: criteria provided, single submitter. Criteria: Invitae Variant Classification Sherloc (09022015). Collection method: clinical testing. Allele origin: germline.
Comment: This variant results in a copy number gain of the genomic region encompassing exons 2-22 of the STAT2 gene. The 5' end of this event is unknown as it extends beyond the assayed region for this gene and therefore may encompass additional genes. The 3' boundary is likely confined to intron 22 of the STAT2 gene. As the precise location of this event is unknown, it may be in tandem or it may be located elsewhere in the genome. This variant has not been reported in the literature in individuals with STAT2-related disease. Experimental studies and prediction algorithms are not available for this variant, and the functional significance of the duplicated amino acids is currently unknown. In summary, the available evidence is currently insufficient to determine the role of this variant in disease. Therefore, it has been classified as a Variant of Uncertain Significance.